The following is an entry in ClinVar:

NM_001006658.3(CR2):c.376G>A (p.Gly126Arg)

Gene: CR2 (complement C3d receptor 2; plus strand). Cytogenetic location: 1q32.2.
Variant type: single nucleotide variant.
Coding change: c.376G>A on transcript NM_001006658.3 (MANE Select); coding-DNA position 376, G replaced by A.
Protein change: p.Gly126Arg; replaces glycine 126 with arginine.
Molecular consequence: missense variant.
Genome position (GRCh38, 1-based): chr1:207,466,843, G>A. VCF-style: chr1-207466843-G-A. GRCh37 (hg19) VCF-style: chr1-207640188-G-A.
Other names: c.376G>A, p.Gly126Arg (NM_001877.5); short protein forms G126R.
Identifiers: ClinVar variation 971949 (VCV000971949.9), dbSNP rs200595124, ClinGen allele CA1368404.

ClinVar aggregate classification (germline): Uncertain significance. Review status: criteria provided, multiple submitters, no conflicts (2 of 4 stars). 4 submissions from 4 submitters: Uncertain significance (4). Last evaluated 2023-10-30.

Conditions:
Immunodeficiency, common variable, 7. Identifiers: Orphanet 1572, Orphanet 696894, MedGen C3542922, MONDO:0013862, OMIM 614699.
Inborn genetic diseases. Identifiers: MedGen C0950123, MeSH D030342.
CR2-related disorder. Also called: CR2-related condition; CR2-related disorders.

Allele frequency attached by ClinVar (database versions not stated): gnomAD exomes below 0.00001 and 0.00001; TOPMed 0.00012; 1000 Genomes Project 0.00020; ExAC 0.00002; gnomAD 0.00004 and 0.00003; 1000 Genomes Project 30x 0.00031.
gnomAD v4.1: 13 of 1,613,106 alleles (0.00081%); highest among the groups gnomAD compares: Admixed American, 0.0084%; no homozygotes.

Submissions (4):

Ambry Genetics
Classification: Uncertain significance for Inborn genetic diseases. Last evaluated: 2023-10-30. Review status: criteria provided, single submitter. Criteria: Ambry Variant Classification Scheme 2023. Collection method: clinical testing. Allele origin: germline.

Genome-Nilou Lab
Classification: Uncertain significance for Immunodeficiency, common variable, 7. Last evaluated: 2023-04-11. Review status: criteria provided, single submitter. Criteria: ACMG Guidelines, 2015. Collection method: clinical testing. Allele origin: germline. Affected: no.

PreventionGenetics, part of Exact Sciences
Classification: Uncertain significance for CR2-related condition. Last evaluated: 2022-08-24. Review status: criteria provided, single submitter. Criteria: ACMG Guidelines, 2015. Collection method: clinical testing. Allele origin: germline.
Comment: The CR2 c.376G>A variant is predicted to result in the amino acid substitution p.Gly126Arg. To our knowledge, this variant has not been reported in the literature. This variant is reported in 0.0054% of alleles in individuals of East Asian descent in gnomAD. At this time, the clinical significance of this variant is uncertain due to the absence of conclusive functional and genetic evidence.

Labcorp Genetics (formerly Invitae), Labcorp
Classification: Uncertain significance for Immunodeficiency, common variable, 7. Last evaluated: 2021-09-01. Review status: criteria provided, single submitter. Criteria: Invitae Variant Classification Sherloc (09022015). Collection method: clinical testing. Allele origin: germline.
Comment: This sequence change replaces glycine with arginine at codon 126 of the CR2 protein (p.Gly126Arg). The glycine residue is highly conserved and there is a moderate physicochemical difference between glycine and arginine. This variant is present in population databases (rs200595124, ExAC 0.01%). This variant has not been reported in the literature in individuals affected with CR2-related conditions. Algorithms developed to predict the effect of missense changes on protein structure and function (SIFT, PolyPhen-2, Align-GVGD) all suggest that this variant is likely to be disruptive. Algorithms developed to predict the effect of sequence changes on RNA splicing suggest that this variant may create or strengthen a splice site. In summary, the available evidence is currently insufficient to determine the role of this variant in disease. Therefore, it has been classified as a Variant of Uncertain Significance.